The following is an entry in ClinVar:

ClinVar aggregate classification (germline): Uncertain significance (1 of 4 stars; one submission).

gnomAD v4.1: 1 of 1,613,992 alleles (0.000062%); highest among the groups gnomAD compares: Admixed American, 0.0017%; no homozygotes.

Submission:

Labcorp Genetics (formerly Invitae), Labcorp
Classification: Uncertain significance. Last evaluated: 2024-03-12. Review status: criteria provided, single submitter. Criteria: Invitae Variant Classification Sherloc (09022015). Collection method: clinical testing. Allele origin: germline.
Comment: This sequence change replaces aspartic acid, which is acidic and polar, with glutamic acid, which is acidic and polar, at codon 427 of the CARD8 protein (p.Asp427Glu). This variant is not present in population databases (gnomAD no frequency). This variant has not been reported in the literature in individuals affected with CARD8-related conditions. An algorithm developed to predict the effect of missense changes on protein structure and function (PolyPhen-2) suggests that this variant is likely to be disruptive. In summary, the available evidence is currently insufficient to determine the role of this variant in disease. Therefore, it has been classified as a Variant of Uncertain Significance.

NM_001184900.3(CARD8):c.1431C>G (p.Asp477Glu)

Gene: CARD8 (caspase recruitment domain family member 8; minus strand). Cytogenetic location: 19q13.33.
Variant type: single nucleotide variant.
Coding change: c.1431C>G on transcript NM_001184900.3 (MANE Select); coding-DNA position 1431, C replaced by G.
Protein change: p.Asp477Glu; replaces aspartic acid 477 with glutamic acid.
Molecular consequence: missense variant. On other transcripts: 3 prime UTR variant (7), non-coding transcript variant (3), intron variant (1).
Genome position (GRCh38, 1-based): chr19:48,211,893, G>C on the plus strand (C>G on the coding strand, the complement: CARD8 is on the minus strand). VCF-style: chr19-48211893-G-C. GRCh37 (hg19) VCF-style: chr19-48715150-G-C.
Other names: c.*110C>G (NM_001184903.1, NM_001351788.2, NM_001184902.2 and 4 more transcripts); c.1431C>G, p.Asp477Glu (NM_001351782.2); c.1281C>G, p.Asp427Glu (NM_001351783.2, NM_001184901.1, NM_014959.5); c.1116C>G, p.Asp372Glu (NM_001351784.2); c.1095C>G, p.Asp365Glu (NM_001351786.2); c.1113C>G, p.Asp371Glu (NM_001365950.1); c.1033+3447C>G (NM_001351787.2); short protein forms D365E, D371E, D372E, D427E, D477E.
Identifiers: ClinVar variation 3621558 (VCV003621558.2).